The following is an entry in ClinVar:

ClinVar aggregate classification (germline): Uncertain significance (1 of 4 stars; one submission).

Allele frequency attached by ClinVar (database versions not stated): gnomAD 0.00001 and 0.00002; gnomAD exomes 0.00005; TOPMed 0.00005; ExAC 0.00006; ESP Exome Variant Server 0.00008.

Submission:

Labcorp Genetics (formerly Invitae), Labcorp
Classification: Uncertain significance. Last evaluated: 2021-09-17. Review status: criteria provided, single submitter. Criteria: Invitae Variant Classification Sherloc (09022015). Collection method: clinical testing. Allele origin: germline.
Comment: This sequence change replaces arginine with histidine at codon 78 of the COQ8B protein (p.Arg78His). The arginine residue is moderately conserved and there is a small physicochemical difference between arginine and histidine. This variant is present in population databases (rs367562594, ExAC 0.02%). This variant has not been reported in the literature in individuals affected with COQ8B-related conditions. Advanced modeling of protein sequence and biophysical properties (such as structural, functional, and spatial information, amino acid conservation, physicochemical variation, residue mobility, and thermodynamic stability) performed at Invitae indicates that this missense variant is not expected to disrupt COQ8B protein function. In summary, the available evidence is currently insufficient to determine the role of this variant in disease. Therefore, it has been classified as a Variant of Uncertain Significance.

NM_024876.4(COQ8B):c.233G>A (p.Arg78His)

Gene: COQ8B (coenzyme Q8B; minus strand). Cytogenetic location: 19q13.2.
Variant type: single nucleotide variant.
Coding change: c.233G>A on transcript NM_024876.4 (MANE Select); coding-DNA position 233, G replaced by A.
Protein change: p.Arg78His; replaces arginine 78 with histidine.
Molecular consequence: missense variant.
Genome position (GRCh38, 1-based): chr19:40,714,123, C>T on the plus strand (G>A on the coding strand, the complement: COQ8B is on the minus strand). VCF-style: chr19-40714123-C-T. GRCh37 (hg19) VCF-style: chr19-41220028-C-T.
Other names: c.233G>A, p.Arg78His (NM_001142555.3); short protein forms R78H.
Identifiers: ClinVar variation 1376651 (VCV001376651.5), dbSNP rs367562594, ClinGen allele CA9450494.
Genomic context (GRCh38, chr19:40,714,123, plus strand): 5'-CTACCCCCAAAGTTGGCCAAGCGGCTGATGCGGGAGGCAGGCACCTTGCGTTCTCGAGAG[C>T]GGTCACTCAGCTGGGAAATGGGGACAAGGTCTGAGGGTGGGAAAGTGGGCATCGTGGCCA-3'
Protein context (NP_079152.3, residues 68-88): RKTPRPQLSD[Arg78His]SRERKVPASR